The following is an entry in ClinVar:

ClinVar aggregate classification (germline): Conflicting classifications of pathogenicity. Review status: criteria provided, conflicting classifications (1 of 4 stars). 3 submissions from 3 submitters: Uncertain significance (2); Likely benign (1). Last evaluated 2024-05-15.

Conditions:
Cardiovascular phenotype. Identifiers: MedGen CN230736.

Allele frequency attached by ClinVar (database versions not stated): ExAC 0.00005; gnomAD exomes 0.00008.
gnomAD v4.1: 32 of 1,613,968 alleles (0.002%); highest among the groups gnomAD compares: Admixed American, 0.043%; no homozygotes.

Submissions (3):

Labcorp Genetics (formerly Invitae), Labcorp
Classification: Uncertain significance. Last evaluated: 2024-05-15. Review status: criteria provided, single submitter. Criteria: Invitae Variant Classification Sherloc (09022015). Collection method: clinical testing. Allele origin: germline.
Comment: This sequence change replaces arginine, which is basic and polar, with histidine, which is basic and polar, at codon 312 of the EPHB4 protein (p.Arg312His). This variant is present in population databases (rs765819602, gnomAD 0.07%), and has an allele count higher than expected for a pathogenic variant. This variant has not been reported in the literature in individuals affected with EPHB4-related conditions. ClinVar contains an entry for this variant (Variation ID: 1400928). Advanced modeling of protein sequence and biophysical properties (such as structural, functional, and spatial information, amino acid conservation, physicochemical variation, residue mobility, and thermodynamic stability) performed at Invitae indicates that this missense variant is not expected to disrupt EPHB4 protein function with a negative predictive value of 80%. In summary, the available evidence is currently insufficient to determine the role of this variant in disease. Therefore, it has been classified as a Variant of Uncertain Significance.

ARUP Laboratories, Molecular Genetics and Genomics, ARUP Laboratories
Classification: Uncertain significance. Last evaluated: 2023-12-07. Review status: criteria provided, single submitter. Criteria: ARUP Molecular Germline Variant Investigation Process 2024. Collection method: clinical testing. Allele origin: germline.
Comment: The EPHB4 c.935G>A; p.Arg312His variant (rs765819602), to our knowledge, is not reported in the medical literature but is reported in ClinVar (Variation ID: 1400928). This variant is found in the Latino/Admixed American population with an allele frequency of 0.06% (21/34,576 alleles) in the Genome Aggregation Database (v2.1.1). Computational analyses predict that this variant is neutral (REVEL: 0.074). However, given the lack of clinical and functional data, the significance of this variant is uncertain at this time.

Ambry Genetics
Classification: Likely benign for Cardiovascular phenotype. Last evaluated: 2022-12-06. Review status: criteria provided, single submitter. Criteria: Ambry Variant Classification Scheme 2023. Collection method: clinical testing. Allele origin: germline.

NM_004444.5(EPHB4):c.935G>A (p.Arg312His)

Gene: EPHB4 (EPH receptor B4; minus strand). Cytogenetic location: 7q22.1.
Variant type: single nucleotide variant.
Coding change: c.935G>A on transcript NM_004444.5 (MANE Select); coding-DNA position 935, G replaced by A.
Protein change: p.Arg312His; replaces arginine 312 with histidine.
Molecular consequence: missense variant.
Genome position (GRCh38, 1-based): chr7:100,820,170, C>T on the plus strand (G>A on the coding strand, the complement: EPHB4 is on the minus strand). VCF-style: chr7-100820170-C-T. GRCh37 (hg19) VCF-style: chr7-100417792-C-T.
Other names: c.935G>A (NM_004444.4); short protein forms R312H.
Identifiers: ClinVar variation 1400928 (VCV001400928.8), dbSNP rs765819602, ClinGen allele CA4393161.